The following is an entry in ClinVar:

NM_000342.4(SLC4A1):c.*408C>T

Gene: SLC4A1 (solute carrier family 4 member 1 (Diego blood group); minus strand). Cytogenetic location: 17q21.31.
Variant type: single nucleotide variant.
Coding change: c.*408C>T on transcript NM_000342.4 (MANE Select); 408 bases downstream of the stop codon, C replaced by T.
Molecular consequence: 3 prime UTR variant.
Genome position (GRCh38, 1-based): chr17:44,250,050, G>A on the plus strand (C>T on the coding strand, the complement: SLC4A1 is on the minus strand). VCF-style: chr17-44250050-G-A. GRCh37 (hg19) VCF-style: chr17-42327418-G-A.
Identifiers: ClinVar variation 323494 (VCV000323494.7), dbSNP rs45555735, ClinGen allele CA10650257.

ClinVar aggregate classification (germline): Benign/Likely benign. Review status: criteria provided, multiple submitters, no conflicts (2 of 4 stars). 5 submissions from 3 submitters: Benign (4); Likely benign (1). Last evaluated 2021-05-16.

Conditions:
Hereditary spherocytosis type 4. Also called: SLC4A1-Related Spherocytosis. Identifiers: Orphanet 822, MedGen C2675212, MONDO:0012981, OMIM 612653.
Autosomal dominant distal renal tubular acidosis (DRTA1). Also called: RTA, CLASSIC TYPE; RTA, DISTAL TYPE, AUTOSOMAL DOMINANT; RTA, GRADIENT TYPE; Renal Tubular Acidosis, Type I; RENAL TUBULAR ACIDOSIS, DISTAL, 1. Identifiers: Orphanet 93608, MedGen CN280572, MONDO:0008368, OMIM 179800.
Hemolytic anemia. Identifiers: MedGen C0002878, MONDO:0003664, HP:0001878.

Allele frequency attached by ClinVar (database versions not stated): 1000 Genomes Project 0.01198; 1000 Genomes Project 30x 0.01296; gnomAD exomes 0.01595; gnomAD 0.01598 and 0.01626; TOPMed 0.01676.
gnomAD v4.1: 4,216 of 260,262 alleles (1.6%); highest among the groups gnomAD compares: Middle Eastern, 4.2%; 51 homozygotes.

Submissions (5):

GeneDx
Classification: Likely benign. Last evaluated: 2021-05-16. Review status: criteria provided, single submitter. Criteria: GeneDx Variant Classification Process June 2021. Collection method: clinical testing. Allele origin: germline. Affected: yes.
Comment: See Variant Classification Assertion Criteria.

Illumina Laboratory Services, Illumina
Classification: Benign for Hemolytic anemia. Last evaluated: 2018-01-12. Review status: criteria provided, single submitter. Criteria: ICSL Variant Classification Criteria 13 December 2019. Collection method: clinical testing. Allele origin: germline.
Comment: This variant was observed in the ICSL laboratory as part of a predisposition screen in an ostensibly healthy population. It had not been previously curated by ICSL or reported in the Human Gene Mutation Database (HGMD: prior to June 1st, 2018), and was therefore a candidate for classification through an automated scoring system. Utilizing variant allele frequency, disease prevalence and penetrance estimates, and inheritance mode, an automated score was calculated to assess if this variant is too frequent to cause the disease. Based on the score and internal cut-off values, a variant classified as benign is not then subjected to further curation. The score for this variant resulted in a classification of benign for this disease.

Illumina Laboratory Services, Illumina
Classification: Benign for Autosomal dominant distal renal tubular acidosis. Last evaluated: 2018-01-12. Review status: criteria provided, single submitter. Criteria: ICSL Variant Classification Criteria 13 December 2019. Collection method: clinical testing. Allele origin: germline.
Comment: the same text as in the submission from Illumina Laboratory Services, Illumina above.

Illumina Laboratory Services, Illumina
Classification: Benign for Hereditary spherocytosis type 4. Last evaluated: 2018-01-12. Review status: criteria provided, single submitter. Criteria: ICSL Variant Classification Criteria 13 December 2019. Collection method: clinical testing. Allele origin: germline.
Comment: the same text as in the submission from Illumina Laboratory Services, Illumina above.

Breakthrough Genomics
Classification: Benign. Review status: criteria provided, single submitter. Criteria: ACMG Guidelines, 2015. Collection method: not provided. Allele origin: germline. Inheritance: Autosomal recessive inheritance. Affected: yes.